The following is an entry in ClinVar:

ClinVar aggregate classification (germline): Likely pathogenic (1 of 4 stars; one submission).

Conditions:
Autosomal recessive limb-girdle muscular dystrophy type 2J (LGMDR10). Also called: Limb-girdle muscular dystrophy, type 2J; MUSCULAR DYSTROPHY, LIMB-GIRDLE, AUTOSOMAL RECESSIVE 10. Identifiers: Orphanet 140922, MedGen C1837342, MONDO:0012127, OMIM 608807.
Dilated cardiomyopathy 1G (CMD1G). Identifiers: Orphanet 154, MedGen C1858763, MONDO:0011400, OMIM 604145.

Submission:

Labcorp Genetics (formerly Invitae), Labcorp
Classification: Likely pathogenic for Dilated cardiomyopathy 1G; Autosomal recessive limb-girdle muscular dystrophy type 2J. Last evaluated: 2024-11-08. Review status: criteria provided, single submitter. Criteria: Invitae Variant Classification Sherloc (09022015). Collection method: clinical testing. Allele origin: germline.
Comment: This sequence change affects a donor splice site in intron 158 of the TTN gene. It is expected to disrupt RNA splicing and likely results in a truncated or disrupted TTN protein. This variant is not present in population databases (gnomAD no frequency). This variant has not been reported in the literature in individuals affected with TTN-related conditions. Algorithms developed to predict the effect of sequence changes on RNA splicing suggest that this variant may disrupt the consensus splice site. This variant is located in the I band of TTN (PMID: 25589632). Truncating variants in this region have been reported in individuals affected with autosomal recessive centronuclear myopathy (PMID: 23975875, internal data). Truncating variants in this region have also been identified in individuals affected with autosomal dominant dilated cardiomyopathy and/or cardio-related conditions (PMID: 27869827, 32964742, internal data). In summary, the currently available evidence indicates that the variant is pathogenic, but additional data are needed to prove that conclusively. Therefore, this variant has been classified as Likely Pathogenic.

Literature cited by the submitters: PubMed 25589632; PubMed 23975875; PubMed 27869827; PubMed 32964742.

NM_001267550.2(TTN):c.35470+2T>A

Gene: TTN (titin; minus strand). Cytogenetic location: 2q31.2.
Variant type: single nucleotide variant.
Coding change: c.35470+2T>A on transcript NM_001267550.2 (MANE Select); the canonical splice donor site of the intron after coding-DNA position 35470, T replaced by A.
Molecular consequence: splice donor variant. On other transcripts: intron variant (5).
Genome position (GRCh38, 1-based): chr2:178,669,590, A>T on the plus strand (T>A on the coding strand, the complement: TTN is on the minus strand). VCF-style: chr2-178669590-A-T. GRCh37 (hg19) VCF-style: chr2-179534317-A-T.
Other names: c.13283-27273T>A (NM_003319.4); c.13859-27273T>A (NM_133437.4); c.13658-27273T>A (NM_133432.3); c.31483+628T>A (NM_133378.4); c.34264+628T>A (NM_001256850.1).
Identifiers: ClinVar variation 3762683 (VCV003762683.2).